The following is an entry in ClinVar:

NM_000059.4(BRCA2):c.3721T>C (p.Phe1241Leu)

Gene: BRCA2 (BRCA2 DNA repair associated; plus strand). Cytogenetic location: 13q13.1.
Variant type: single nucleotide variant.
Coding change: c.3721T>C on transcript NM_000059.4 (MANE Select); coding-DNA position 3721, T replaced by C.
Protein change: p.Phe1241Leu; replaces phenylalanine 1241 with leucine.
Molecular consequence: missense variant.
Genome position (GRCh38, 1-based): chr13:32,338,076, T>C. VCF-style: chr13-32338076-T-C. GRCh37 (hg19) VCF-style: chr13-32912213-T-C.
Other names: short protein forms F1241L.
Identifiers: ClinVar variation 1057302 (VCV001057302.13), dbSNP rs2137499348, ClinGen allele CA387778085.

ClinVar aggregate classification (germline): Conflicting classifications of pathogenicity. Review status: criteria provided, conflicting classifications (1 of 4 stars). 3 submissions from 3 submitters: Uncertain significance (2); Likely benign (1). Last evaluated 2023-03-23.

Conditions:
Hereditary cancer-predisposing syndrome. Also called: Hereditary Cancer Syndrome; Tumor predisposition; Hereditary neoplastic syndrome; Neoplastic Syndromes, Hereditary. Identifiers: Orphanet 140162, MedGen C0027672, MeSH D009386, MONDO:0015356.
Hereditary breast ovarian cancer syndrome. Also called: Hereditary breast and/or ovarian cancer syndrome; Hereditary breast and ovarian cancer syndrome; Hereditary breast and ovarian cancer syndrome (HBOC); Breast and ovarian cancer; Hereditary breast and ovarian cancer; BRCA1- and BRCA2-Associated Hereditary Breast and Ovarian Cancer. Identifiers: Orphanet 145, MedGen C0677776, MeSH D061325, MONDO:0003582. Disease mechanism: loss of function.

Submissions (3):

University of Washington Department of Laboratory Medicine, University of Washington
Classification: Likely benign for Hereditary cancer-predisposing syndrome. Last evaluated: 2023-03-23. Review status: criteria provided, single submitter. Criteria: Dines et al. (Genet Med. 2020). Collection method: curation. Allele origin: germline.
Comment: Missense variant in a coldspot region where missense variants are very unlikely to be pathogenic (PMID:31911673).

BRCA2 exon 11 coldspot. Reclassification based on statistical prior probability.

Labcorp Genetics (formerly Invitae), Labcorp
Classification: Uncertain significance for Hereditary breast ovarian cancer syndrome. Last evaluated: 2020-02-28. Review status: criteria provided, single submitter. Criteria: Invitae Variant Classification Sherloc (09022015). Collection method: clinical testing. Allele origin: germline.
Comment: This variant is not present in population databases (ExAC no frequency). This variant has been observed in individual(s) with a personal and/or family history of breast and/or ovarian cancer (PMID: 21120943 24448499). Algorithms developed to predict the effect of missense changes on protein structure and function are either unavailable or do not agree on the potential impact of this missense change (SIFT: "Tolerated"; PolyPhen-2: "Possibly Damaging"; Align-GVGD: "Class C0"). In summary, the available evidence is currently insufficient to determine the role of this variant in disease. Therefore, it has been classified as a Variant of Uncertain Significance. This sequence change replaces phenylalanine with leucine at codon 1241 of the BRCA2 protein (p.Phe1241Leu). The phenylalanine residue is highly conserved and there is a small physicochemical difference between phenylalanine and leucine.

Mayo Clinic Laboratories, Mayo Clinic
Classification: Uncertain significance. Last evaluated: 2019-09-26. Review status: criteria provided, single submitter. Criteria: ACMG Guidelines, 2015. Collection method: clinical testing. Allele origin: germline. Observed: 1 variant allele.

Literature cited by the submitters: PubMed 21120943 (cited by Labcorp Genetics (formerly Invitae), Labcorp); PubMed 24448499 (cited by Labcorp Genetics (formerly Invitae), Labcorp).